The following is an entry in ClinVar:

ClinVar aggregate classification (germline): Uncertain significance (1 of 4 stars; one submission).

gnomAD v4.1: 26 of 1,579,880 alleles (0.0016%); highest among the groups gnomAD compares: Admixed American, 0.0074%; 1 homozygote.

Submission:

Labcorp Genetics (formerly Invitae), Labcorp
Classification: Uncertain significance. Last evaluated: 2025-06-02. Review status: criteria provided, single submitter. Criteria: Invitae Variant Classification Sherloc (09022015). Collection method: clinical testing. Allele origin: germline.
Comment: This variant occurs in a non-coding region of the OTOF gene. It does not change the encoded amino acid sequence of the OTOF protein. This variant is present in population databases (rs766474155, gnomAD 0.004%). This variant has not been reported in the literature in individuals affected with OTOF-related conditions. ClinVar contains an entry for this variant (Variation ID: 3629273). In summary, the available evidence is currently insufficient to determine the role of this variant in disease. Therefore, it has been classified as a Variant of Uncertain Significance.

NM_194323.3(OTOF):c.3519C>T (p.Pro1173=)

Gene: OTOF (otoferlin; minus strand). Cytogenetic location: 2p23.3.
Variant type: single nucleotide variant.
Coding change: c.3519C>T on transcript NM_194323.3 (MANE Plus Clinical); coding-DNA position 3519, C replaced by T.
Protein change: p.Pro1173=; no amino-acid change (proline 1173 retained).
Molecular consequence: synonymous variant. On other transcripts: 3 prime UTR variant (3).
Genome position (GRCh38, 1-based): chr2:26,458,214, G>A on the plus strand (C>T on the coding strand, the complement: OTOF is on the minus strand). VCF-style: chr2-26458214-G-A. GRCh37 (hg19) VCF-style: chr2-26681082-G-A.
Other names: c.5820C>T, p.Pro1940= (NM_001287489.2); c.*24C>T (NM_004802.4, NM_194248.3, NM_194322.3).
Identifiers: ClinVar variation 3629273 (VCV003629273.2).